The following is an entry in ClinVar:

NM_000384.3(APOB):c.6609T>G (p.Asp2203Glu)

Gene: APOB (apolipoprotein B; minus strand). Cytogenetic location: 2p24.1.
Variant type: single nucleotide variant.
Coding change: c.6609T>G on transcript NM_000384.3 (MANE Select); coding-DNA position 6609, T replaced by G.
Protein change: p.Asp2203Glu; replaces aspartic acid 2203 with glutamic acid.
Molecular consequence: missense variant.
Genome position (GRCh38, 1-based): chr2:21,010,259, A>C on the plus strand (T>G on the coding strand, the complement: APOB is on the minus strand). VCF-style: chr2-21010259-A-C. GRCh37 (hg19) VCF-style: chr2-21233131-A-C.
Other names: short protein forms D2203E.
Identifiers: ClinVar variation 4862943 (VCV004862943.2).

ClinVar aggregate classification (germline): Uncertain significance (1 of 4 stars; one submission).

Conditions:
Cardiovascular phenotype. Identifiers: MedGen CN230736.

Submission:

Ambry Genetics
Classification: Uncertain significance for Cardiovascular phenotype. Last evaluated: 2026-09-11. Review status: criteria provided, single submitter. Criteria: Ambry Variant Classification Scheme 2023. Collection method: clinical testing. Allele origin: germline.
Comment: The p.D2203E variant (also known as c.6609T>G), located in coding exon 26 of the APOB gene, results from a T to G substitution at nucleotide position 6609. The aspartic acid at codon 2203 is replaced by glutamic acid, an amino acid with highly similar properties. This amino acid position is conserved. In addition, this alteration is predicted to be tolerated by in silico analysis. Based on the available evidence, the clinical significance of this variant remains unclear.